The following is an entry in ClinVar:

NM_172107.4(KCNQ2):c.878T>C (p.Leu293Pro)

Gene: KCNQ2 (potassium voltage-gated channel subfamily Q member 2; minus strand). Cytogenetic location: 20q13.33.
Variant type: single nucleotide variant.
Coding change: c.878T>C on transcript NM_172107.4 (MANE Select); coding-DNA position 878, T replaced by C.
Protein change: p.Leu293Pro; replaces leucine 293 with proline.
Molecular consequence: missense variant.
Genome position (GRCh38, 1-based): chr20:63,439,647, A>G on the plus strand (T>C on the coding strand, the complement: KCNQ2 is on the minus strand). VCF-style: chr20-63439647-A-G. GRCh37 (hg19) VCF-style: chr20-62071000-A-G.
Other names: c.878T>C, p.Leu293Pro (NM_172109.3, NM_172108.5, NM_001382235.1 and 2 more transcripts); short protein forms L293P.
Identifiers: ClinVar variation 1164059 (VCV001164059.3), dbSNP rs2145718961, ClinGen allele CA409652588.

ClinVar aggregate classification (germline): Pathogenic. Review status: criteria provided, multiple submitters, no conflicts (2 of 4 stars). 3 submissions from 3 submitters: Pathogenic (2). 1 of the submissions does not count toward it. Last evaluated 2025-07-10.

Conditions:
Developmental and epileptic encephalopathy, 7 (DEE7). Also called: KCNQ2-Related Neonatal-Onset Developmental and Epileptic Encephalopathy (NEO-DEE); KCNQ2-Related Neonatal Epileptic Encephalopathy; Early infantile epileptic encephalopathy 7. Identifiers: Orphanet 439218, MedGen C3150986, MONDO:0013387, OMIM 613720.
Early-infantile DEE. Also called: Early infantile epileptic encephalopathy; Ohtahara syndrome; Early infantile epileptic encephalopathy with suppression bursts. Identifiers: Orphanet 1934, MedGen C0393706, MONDO:0800491.

Submissions (3):

Labcorp Genetics (formerly Invitae), Labcorp
Classification: Pathogenic for Early-infantile DEE. Last evaluated: 2025-07-10. Review status: criteria provided, single submitter. Criteria: Invitae Variant Classification Sherloc (09022015). Collection method: clinical testing. Allele origin: germline.
Comment: This sequence change replaces leucine, which is neutral and non-polar, with proline, which is neutral and non-polar, at codon 293 of the KCNQ2 protein (p.Leu293Pro). This variant is not present in population databases (gnomAD no frequency). This missense change has been observed in individual(s) with clinical features of KCNQ2-related conditions (PMID: 29314583). In at least one individual the variant was observed to be de novo. ClinVar contains an entry for this variant (Variation ID: 1164059). Invitae Evidence Modeling of protein sequence and biophysical properties (such as structural, functional, and spatial information, amino acid conservation, physicochemical variation, residue mobility, and thermodynamic stability) indicates that this missense variant is expected to disrupt KCNQ2 protein function with a positive predictive value of 95%. For these reasons, this variant has been classified as Pathogenic.

Dasa
Classification: Pathogenic. Last evaluated: 2025-02-04. Review status: criteria provided, single submitter. Criteria: DASA Assertion Criteria. Collection method: clinical testing. Allele origin: germline.
Comment: NM_172107.4(KCNQ2):c.878T>C (p.Leu293Pro) is a missense variant that results in the substitution of leucine with proline. The affected residue or protein region has prior evidence supporting clinical relevance. De novo occurrence has been reported in an individual with related phenotype. Functional evidence supports a deleterious effect on the gene or gene product (PMID: 34580403; PMID: 29314583; PMID: 35856407). This variant has been recurrently observed in individuals with related phenotype (PMID: 34580403; PMID: 29314583; PMID: 35856407). Multiple computational predictions support a deleterious effect on the gene or gene product. The variant is present at low frequency in population datasets. Based on the available data, this variant is classified as pathogenic.

Pediatric Genetics Clinic, Sheba Medical Center
Classification: Pathogenic for Developmental and epileptic encephalopathy, 7. Last evaluated: 2021-05-13. Review status: no assertion criteria provided. Collection method: clinical testing. Allele origin: de novo. Affected: yes. Observed: 1 heterozygote. Not counted in ClinVar's aggregate classification.

Literature cited by the submitters: PubMed 29314583 (cited by Labcorp Genetics (formerly Invitae), Labcorp and Dasa); PubMed 34580403 (cited by Dasa); PubMed 35856407 (cited by Dasa).